The following is an entry in ClinVar:

NM_004369.4(COL6A3):c.6555T>C (p.Asp2185=)

Gene: COL6A3 (collagen type VI alpha 3 chain; minus strand). Cytogenetic location: 2q37.3.
Variant type: single nucleotide variant.
Coding change: c.6555T>C on transcript NM_004369.4 (MANE Select); coding-DNA position 6555, T replaced by C.
Protein change: p.Asp2185=; no amino-acid change (aspartic acid 2185 retained).
Molecular consequence: synonymous variant.
Genome position (GRCh38, 1-based): chr2:237,357,374, A>G on the plus strand (T>C on the coding strand, the complement: COL6A3 is on the minus strand). VCF-style: chr2-237357374-A-G. GRCh37 (hg19) VCF-style: chr2-238266017-A-G.
Other names: c.4734T>C, p.Asp1578= (NM_057166.5); c.5937T>C, p.Asp1979= (NM_057167.4).
Identifiers: ClinVar variation 507594 (VCV000507594.49), dbSNP rs199869924, ClinGen allele CA2188222.

ClinVar aggregate classification (germline): Likely benign. Review status: criteria provided, multiple submitters, no conflicts (2 of 4 stars). 5 submissions from 5 submitters: Likely benign (5). Last evaluated 2025-10-22.

Conditions:
Bethlem myopathy 1A. Also called: Bethlem myopathy 1; Bethlem Muscular Dystrophy; MYOPATHY, BENIGN CONGENITAL, WITH CONTRACTURES. Identifiers: Orphanet 610, MedGen CN029274, MONDO:0024530, OMIM 158810.

Allele frequency attached by ClinVar (database versions not stated): ExAC 0.00002; gnomAD exomes 0.00002 and 0.00006; TOPMed 0.00002; gnomAD 0.00003.
gnomAD v4.1: 95 of 1,613,840 alleles (0.0059%); highest among the groups gnomAD compares: Middle Eastern, 0.016%; no homozygotes.

Submissions (5):

Labcorp Genetics (formerly Invitae), Labcorp
Classification: Likely benign for Bethlem myopathy 1A. Last evaluated: 2025-10-22. Review status: criteria provided, single submitter. Criteria: Invitae Variant Classification Sherloc (09022015). Collection method: clinical testing. Allele origin: germline.

Blueprint Genetics
Classification: Likely benign. Last evaluated: 2024-09-23. Review status: criteria provided, single submitter. Criteria: ACMG Guidelines, 2015. Collection method: clinical testing. Allele origin: germline.

CeGaT Center for Human Genetics Tuebingen
Classification: Likely benign. Last evaluated: 2020-09-01. Review status: criteria provided, single submitter. Criteria: CeGaT Center For Human Genetics Tuebingen Variant Classification Criteria Version 2. Collection method: clinical testing. Allele origin: germline. Affected: yes. Observed: 1 variant allele.

GeneDx
Classification: Likely benign. Last evaluated: 2017-02-28. Review status: criteria provided, single submitter. Criteria: GeneDx Variant Classification (06012015). Collection method: clinical testing. Allele origin: germline. Affected: yes.
Comment: This variant is considered likely benign or benign based on one or more of the following criteria: it is a conservative change, it occurs at a poorly conserved position in the protein, it is predicted to be benign by multiple in silico algorithms, and/or has population frequency not consistent with disease.

Breakthrough Genomics
Classification: Likely benign. Review status: criteria provided, single submitter. Criteria: ACMG Guidelines, 2015. Collection method: not provided. Allele origin: germline. Inheritance: Autosomal recessive inheritance. Affected: yes.